The following is an entry in ClinVar:

NM_000038.6(APC):c.6847A>T (p.Ser2283Cys)

Gene: APC (APC regulator of Wnt signaling pathway; plus strand). Cytogenetic location: 5q22.2.
Variant type: single nucleotide variant.
Coding change: c.6847A>T on transcript NM_000038.6 (MANE Select); coding-DNA position 6847, A replaced by T.
Protein change: p.Ser2283Cys; replaces serine 2283 with cysteine.
Molecular consequence: missense variant.
Genome position (GRCh38, 1-based): chr5:112,842,441, A>T. VCF-style: chr5-112842441-A-T. GRCh37 (hg19) VCF-style: chr5-112178138-A-T.
Other names: c.6847A>T, p.Ser2283Cys (NM_001127510.3, NM_001354895.2); c.6793A>T, p.Ser2265Cys (NM_001127511.3); c.6901A>T, p.Ser2301Cys (NM_001354896.2); c.6877A>T, p.Ser2293Cys (NM_001354897.2); c.6772A>T, p.Ser2258Cys (NM_001354898.2); c.6763A>T, p.Ser2255Cys (NM_001354899.2); c.6724A>T, p.Ser2242Cys (NM_001354900.2); c.6670A>T, p.Ser2224Cys (NM_001354901.2); and 5 more; short protein forms S2283C, S2265C, S2224C, S2255C, S2000C, S2123C, S2293C, S2157C.
Identifiers: ClinVar variation 628724 (VCV000628724.6), dbSNP rs1554087786, ClinGen allele CA16036280.

ClinVar aggregate classification (germline): Uncertain significance. Review status: criteria provided, multiple submitters, no conflicts (2 of 4 stars). 2 submissions from 2 submitters: Uncertain significance (2). Last evaluated 2026-08-27.

Conditions:
Hereditary cancer-predisposing syndrome. Also called: Neoplastic Syndromes, Hereditary; Hereditary Cancer Syndrome; Hereditary neoplastic syndrome; Tumor predisposition. Identifiers: Orphanet 140162, MedGen C0027672, MeSH D009386, MONDO:0015356.

Submissions (2):

Ambry Genetics
Classification: Uncertain significance for Hereditary cancer-predisposing syndrome. Last evaluated: 2026-08-27. Review status: criteria provided, single submitter. Criteria: Ambry Variant Classification Scheme 2023. Collection method: clinical testing. Allele origin: germline.
Comment: The p.S2283C variant (also known as c.6847A>T), located in coding exon 15 of the APC gene, results from an A to T substitution at nucleotide position 6847. The serine at codon 2283 is replaced by cysteine, an amino acid with dissimilar properties. This amino acid position is conserved. In addition, in silico predictors for this gene do not accurately predict pathogenicity. Based on the available evidence, the clinical significance of this variant remains unclear.

Color Diagnostics, LLC DBA Color Health
Classification: Uncertain significance for Hereditary cancer-predisposing syndrome. Last evaluated: 2023-12-05. Review status: criteria provided, single submitter. Criteria: ACMG Guidelines, 2015. Collection method: clinical testing. Allele origin: germline.
Comment: This missense variant replaces serine with cysteine at codon 2283 of the APC protein. Computational prediction suggests that this variant may not impact protein structure and function (internally defined REVEL score threshold <= 0.5, PMID: 27666373). To our knowledge, functional studies have not been reported for this variant. This variant has not been reported in individuals affected with APC-related disorders in the literature. This variant has not been identified in the general population by the Genome Aggregation Database (gnomAD). The available evidence is insufficient to determine the role of this variant in disease conclusively. Therefore, this variant is classified as a Variant of Uncertain Significance.